The following is an entry in ClinVar:

ClinVar aggregate classification (germline): Uncertain significance (1 of 4 stars; one submission).

Conditions:
Jeune thoracic dystrophy. Also called: Jeune syndrome; Infantile thoracic dystrophy; Thoracic pelvic phalangeal dystrophy; Jeune's syndrome; Chondroectodermal dysplasia-like syndrome; Short-rib thoracic dysplasia. Identifiers: Orphanet 474, MedGen C0265275, MONDO:0018770.

Submission:

Labcorp Genetics (formerly Invitae), Labcorp
Classification: Uncertain significance for Jeune thoracic dystrophy. Last evaluated: 2022-06-27. Review status: criteria provided, single submitter. Criteria: Invitae Variant Classification Sherloc (09022015). Collection method: clinical testing. Allele origin: germline.
Comment: This variant is a gross deletion of the genomic region encompassing exon(s) 13-14 of the IFT80 gene. This variant would be expected to be in-frame, preserving the integrity of the reading frame. In summary, the available evidence is currently insufficient to determine the role of this variant in disease. Therefore, it has been classified as a Variant of Uncertain Significance. Experimental studies and prediction algorithms are not available or were not evaluated, and the functional significance of this variant is currently unknown. This variant has not been reported in the literature in individuals affected with IFT80-related conditions.

NC_000003.11:g.(?_160000246)_(160003676_?)del

Gene: IFT80 (intraflagellar transport 80; minus strand). Cytogenetic location: 3q25.33.
Variant type: Deletion.
Identifiers: ClinVar variation 1448425 (VCV001448425.5).